The following is an entry in ClinVar:

ClinVar aggregate classification (germline): Uncertain significance (1 of 4 stars; one submission).

Submission:

Labcorp Genetics (formerly Invitae), Labcorp
Classification: Uncertain significance. Last evaluated: 2021-04-09. Review status: criteria provided, single submitter. Criteria: Invitae Variant Classification Sherloc (09022015). Collection method: clinical testing. Allele origin: germline.
Comment: In summary, the available evidence is currently insufficient to determine the role of this variant in disease. Therefore, it has been classified as a Variant of Uncertain Significance. Algorithms developed to predict the effect of sequence changes on RNA splicing suggest that this variant may create or strengthen a splice site, but this prediction has not been confirmed by published transcriptional studies. Advanced modeling of protein sequence and biophysical properties (such as structural, functional, and spatial information, amino acid conservation, physicochemical variation, residue mobility, and thermodynamic stability) performed at Invitae indicates that this missense variant is not expected to disrupt GRIN2D protein function. This variant has not been reported in the literature in individuals with GRIN2D-related conditions. The frequency data for this variant in the population databases is considered unreliable, as metrics indicate insufficient coverage at this position in the ExAC database. This sequence change replaces glycine with serine at codon 1205 of the GRIN2D protein (p.Gly1205Ser). The glycine residue is weakly conserved and there is a small physicochemical difference between glycine and serine.

NM_000836.4(GRIN2D):c.3613G>A (p.Gly1205Ser)

Gene: GRIN2D (glutamate ionotropic receptor NMDA type subunit 2D; plus strand). Cytogenetic location: 19q13.33.
Variant type: single nucleotide variant.
Coding change: c.3613G>A on transcript NM_000836.4 (MANE Select); coding-DNA position 3613, G replaced by A.
Protein change: p.Gly1205Ser; replaces glycine 1205 with serine.
Molecular consequence: missense variant.
Genome position (GRCh38, 1-based): chr19:48,443,539, G>A. VCF-style: chr19-48443539-G-A. GRCh37 (hg19) VCF-style: chr19-48946796-G-A.
Other names: short protein forms G1205S.
Identifiers: ClinVar variation 1442264 (VCV001442264.8), dbSNP rs1441114155, ClinGen allele CA406677120.